The following is an entry in ClinVar:

NM_001353345.2(SETD1B):c.4657C>T (p.Pro1553Ser)

Gene: SETD1B (SET domain containing 1B, histone lysine methyltransferase; plus strand). Cytogenetic location: 12q24.31.
Variant type: single nucleotide variant.
Coding change: c.4657C>T on transcript NM_001353345.2 (MANE Select); coding-DNA position 4657, C replaced by T.
Protein change: p.Pro1553Ser; replaces proline 1553 with serine.
Molecular consequence: missense variant.
Genome position (GRCh38, 1-based): chr12:121,823,236, C>T. VCF-style: chr12-121823236-C-T. GRCh37 (hg19) VCF-style: chr12-122261142-C-T.
Other names: short protein forms P1553S.
Identifiers: ClinVar variation 1320533 (VCV001320533.2), dbSNP rs2137579694, ClinGen allele CA386999442.

ClinVar aggregate classification (germline): Uncertain significance (1 of 4 stars; one submission).

Allele frequency attached by ClinVar (database versions not stated): gnomAD exomes below 0.00001.
gnomAD v4.1: 1 of 1,549,726 alleles (0.000065%); highest among the groups gnomAD compares: Non-Finnish European, 0.000087%; no homozygotes.

Submission:

GeneDx
Classification: Uncertain significance. Last evaluated: 2020-10-26. Review status: criteria provided, single submitter. Criteria: GeneDx Variant Classification Process June 2021. Collection method: clinical testing. Allele origin: germline. Affected: yes.
Comment: Not observed in large population cohorts (Lek et al., 2016); In silico analysis supports that this missense variant does not alter protein structure/function; Has not been previously published as pathogenic or benign to our knowledge